The following is an entry in ClinVar:

NM_019594.4(LRRC8A):c.1394T>C (p.Ile465Thr)

Gene: LRRC8A (leucine rich repeat containing 8 VRAC subunit A; plus strand). Cytogenetic location: 9q34.11.
Variant type: single nucleotide variant.
Coding change: c.1394T>C on transcript NM_019594.4 (MANE Select); coding-DNA position 1394, T replaced by C.
Protein change: p.Ile465Thr; replaces isoleucine 465 with threonine.
Molecular consequence: missense variant.
Genome position (GRCh38, 1-based): chr9:128,908,558, T>C. VCF-style: chr9-128908558-T-C. GRCh37 (hg19) VCF-style: chr9-131670837-T-C.
Other names: c.1394T>C, p.Ile465Thr (NM_001127244.2, NM_001127245.2); short protein forms I465T.
Identifiers: ClinVar variation 2409105 (VCV002409105.5), dbSNP rs770091691, ClinGen allele CA200415880.
Genomic context (GRCh38, chr9:128,908,558, plus strand): 5'-TGGTGGAGCTGGAGGTCCTCAAGCTGGAGCTGATCCCCGACGTGACCATCCCGCCCAGCA[T>C]TGCCCAGCTCACGGGCCTCAAGGAGCTGTGGCTCTACCACACAGCGGCCAAGATTGAAGC-3'
Protein context (NP_062540.2, residues 455-475): LIPDVTIPPS[Ile465Thr]AQLTGLKELW

ClinVar aggregate classification (germline): Uncertain significance. Review status: criteria provided, multiple submitters, no conflicts (2 of 4 stars). 2 submissions from 2 submitters: Uncertain significance (2). Last evaluated 2025-10-16.

Allele frequency attached by ClinVar (database versions not stated): gnomAD exomes below 0.00001; gnomAD 0.00001; TOPMed 0.00001.
gnomAD v4.1: 6 of 1,612,692 alleles (0.00037%); highest among the groups gnomAD compares: South Asian, 0.0011%; no homozygotes.

Submissions (2):

Labcorp Genetics (formerly Invitae), Labcorp
Classification: Uncertain significance. Last evaluated: 2025-10-16. Review status: criteria provided, single submitter. Criteria: Invitae Variant Classification Sherloc (09022015). Collection method: clinical testing. Allele origin: germline.
Comment: This sequence change replaces isoleucine, which is neutral and non-polar, with threonine, which is neutral and polar, at codon 465 of the LRRC8A protein (p.Ile465Thr). This variant is not present in population databases (gnomAD no frequency). This variant has not been reported in the literature in individuals affected with LRRC8A-related conditions. ClinVar contains an entry for this variant (Variation ID: 2409105). An algorithm developed to predict the effect of missense changes on protein structure and function (PolyPhen-2) suggests that this variant is likely to be disruptive. In summary, the available evidence is currently insufficient to determine the role of this variant in disease. Therefore, it has been classified as a Variant of Uncertain Significance.

Ambry Genetics
Classification: Uncertain significance. Last evaluated: 2022-06-09. Review status: criteria provided, single submitter. Criteria: Ambry Variant Classification Scheme 2023. Collection method: clinical testing. Allele origin: germline.